The following is an entry in ClinVar:

ClinVar aggregate classification (germline): Pathogenic (1 of 4 stars; one submission).

Conditions:
Sjögren-Larsson syndrome (SLS). Also called: FALDH DEFICIENCY; FATTY ALCOHOL:NAD+ OXIDOREDUCTASE DEFICIENCY; FATTY ALDEHYDE DEHYDROGENASE DEFICIENCY; ICHTHYOSIS, SPASTIC NEUROLOGIC DISORDER, AND OLIGOPHRENIA. Identifiers: Orphanet 816, MedGen C0037231, MONDO:0010031, OMIM 270200.

Submission:

Myriad Genetics, Inc.
Classification: Pathogenic for Sjögren-Larsson syndrome. Last evaluated: 2023-08-21. Review status: criteria provided, single submitter. Criteria: Myriad Autosomal Dominant, Autosomal Recessive and X-Linked Classification Criteria (2023). Collection method: clinical testing. Allele origin: unknown.
Comment: NM_000382.2(ALDH3A2):c.487_488ins19(I163Nfs*8) is expected to be pathogenic in the context of Sjogren-Larsson syndrome. This variant is predicted to lead to an abnormal or absent protein product due to the creation of a premature termination codon in ALDH3A2, a gene where loss-of-function variants are known to be pathogenic. Please note: this variant was assessed in the context of healthy population screening.

NM_000382.3(ALDH3A2):c.487_488insACTGTCTCTTATACACATC (p.Ile163fs)

Gene: ALDH3A2 (aldehyde dehydrogenase 3 family member A2; plus strand). Cytogenetic location: 17p11.2.
Variant type: Insertion.
Coding change: c.487_488insACTGTCTCTTATACACATC on transcript NM_000382.3 (MANE Select); coding-DNA positions 487 to 488, ACTGTCTCTTATACACATC inserted.
Protein change: p.Ile163fs; shifts the reading frame from isoleucine 163.
Molecular consequence: frameshift variant. On other transcripts: 5 prime UTR variant (1).
Genome position: GRCh38 VCF-style: chr17-19656381-A-AACTGTCTCTTATACACATC. GRCh37 (hg19) VCF-style: chr17-19559694-A-AACTGTCTCTTATACACATC.
Other names: c.487_488insACTGTCTCTTATACACATC, p.Ile163fs (NM_001031806.2, NM_001369136.1, NM_001369137.2 and 3 more transcripts); c.-93_-92insACTGTCTCTTATACACATC (NM_001369148.2); short protein forms I163fs.
Identifiers: ClinVar variation 5011416 (VCV005011416.1).